The following is an entry in ClinVar:

NM_001393938.1(ZNF888):c.20T>G (p.Leu7Arg)

Gene: ZNF888 (zinc finger protein 888; minus strand). Cytogenetic location: 19q13.41.
Variant type: single nucleotide variant.
Coding change: c.20T>G on transcript NM_001393938.1 (MANE Select); coding-DNA position 20, T replaced by G.
Protein change: p.Leu7Arg; replaces leucine 7 with arginine.
Molecular consequence: missense variant. On other transcripts: 5 prime UTR variant (3).
Genome position (GRCh38, 1-based): chr19:52,915,318, A>C on the plus strand (T>G on the coding strand, the complement: ZNF888 is on the minus strand). VCF-style: chr19-52915318-A-C. GRCh37 (hg19) VCF-style: chr19-53418571-A-C.
Other names: c.20T>G, p.Leu7Arg (NM_001310127.2, NM_001384653.1); c.77T>G, p.Leu26Arg (NM_001384652.1); c.-89T>G (NM_001384654.1, NM_001384655.1, NM_001384656.1); short protein forms L26R, L7R.
Identifiers: ClinVar variation 3024858 (VCV003024858.22), dbSNP rs200803482, ClinGen allele CA9629317.

ClinVar aggregate classification (germline): Likely benign (1 of 4 stars; one submission).

Allele frequency attached by ClinVar (database versions not stated): 1000 Genomes Project 30x 0.00234; gnomAD 0.00235; ESP Exome Variant Server 0.00052; gnomAD exomes 0.00120; ExAC 0.00159.
gnomAD v4.1: 2,224 of 1,612,902 alleles (0.14%); highest among the groups gnomAD compares: Middle Eastern, 1.2%; 12 homozygotes.

Submission:

CeGaT Center for Human Genetics Tuebingen
Classification: Likely benign. Last evaluated: 2024-07-01. Review status: criteria provided, single submitter. Criteria: CeGaT Center For Human Genetics Tuebingen Variant Classification Criteria Version 2. Collection method: clinical testing. Allele origin: germline. Affected: yes. Observed: 2 variant alleles.
Comment: ZNF888: BP4